The following is an entry in ClinVar:

NM_005445.4(SMC3):c.1680T>C (p.Tyr560=)

Gene: SMC3 (structural maintenance of chromosomes 3; plus strand). Cytogenetic location: 10q25.2.
Variant type: single nucleotide variant.
Coding change: c.1680T>C on transcript NM_005445.4 (MANE Select); coding-DNA position 1680, T replaced by C.
Protein change: p.Tyr560=; no amino-acid change (tyrosine 560 retained).
Molecular consequence: synonymous variant.
Genome position (GRCh38, 1-based): chr10:110,591,000, T>C. VCF-style: chr10-110591000-T-C. GRCh37 (hg19) VCF-style: chr10-112350758-T-C.
Identifiers: ClinVar variation 159969 (VCV000159969.48), dbSNP rs75817442, ClinGen allele CA272605.

ClinVar aggregate classification (germline): Conflicting classifications of pathogenicity. Review status: criteria provided, conflicting classifications (1 of 4 stars). 7 submissions from 7 submitters: Uncertain significance (1); Benign (6). Last evaluated 2026-01-26.

Conditions:
Inborn genetic diseases. Identifiers: MedGen C0950123, MeSH D030342.
Cornelia de Lange syndrome 3 (CDLS3). Also called: SMC3-Related Cornelia de Lange Syndrome; CORNELIA DE LANGE SYNDROME 3 WITH OR WITHOUT MIDLINE BRAIN DEFECTS. Identifiers: Orphanet 199, MedGen C1853099, MONDO:0012555, OMIM 610759.

Allele frequency attached by ClinVar (database versions not stated): gnomAD exomes 0.00036 and 0.00099; ExAC 0.00124; 1000 Genomes Project 0.00339; gnomAD 0.00370 and 0.00402; 1000 Genomes Project 30x 0.00375; TOPMed 0.00409; ESP Exome Variant Server 0.00446.
gnomAD v4.1: 1,104 of 1,612,864 alleles (0.068%); highest among the groups gnomAD compares: African/African-American, 1.4%; 8 homozygotes.

Submissions (7):

Labcorp Genetics (formerly Invitae), Labcorp
Classification: Benign for Cornelia de Lange syndrome 3. Last evaluated: 2026-01-26. Review status: criteria provided, single submitter. Criteria: Invitae Variant Classification Sherloc (09022015). Collection method: clinical testing. Allele origin: germline.

Blueprint Genetics
Classification: Benign. Last evaluated: 2024-03-19. Review status: criteria provided, single submitter. Criteria: ACMG Guidelines, 2015. Collection method: clinical testing. Allele origin: germline.

CeGaT Center for Human Genetics Tuebingen
Classification: Benign. Last evaluated: 2024-01-01. Review status: criteria provided, single submitter. Criteria: CeGaT Center For Human Genetics Tuebingen Variant Classification Criteria Version 2. Collection method: clinical testing. Allele origin: germline. Affected: yes. Observed: 1 variant allele.
Comment: SMC3: BP4, BS1, BS2

GeneDx
Classification: Benign. Last evaluated: 2021-06-11. Review status: criteria provided, single submitter. Criteria: GeneDx Variant Classification Process June 2021. Collection method: clinical testing. Allele origin: germline. Affected: yes.

Illumina Laboratory Services, Illumina
Classification: Benign for Cornelia de Lange syndrome 3. Last evaluated: 2018-01-12. Review status: criteria provided, single submitter. Criteria: ICSL Variant Classification Criteria 13 December 2019. Collection method: clinical testing. Allele origin: germline.
Comment: This variant was observed in the ICSL laboratory as part of a predisposition screen in an ostensibly healthy population. It had not been previously curated by ICSL or reported in the Human Gene Mutation Database (HGMD: prior to June 1st, 2018), and was therefore a candidate for classification through an automated scoring system. Utilizing variant allele frequency, disease prevalence and penetrance estimates, and inheritance mode, an automated score was calculated to assess if this variant is too frequent to cause the disease. Based on the score and internal cut-off values, a variant classified as benign is not then subjected to further curation. The score for this variant resulted in a classification of benign for this disease.

Ambry Genetics
Classification: Benign for Inborn genetic diseases. Last evaluated: 2016-08-19. Review status: criteria provided, single submitter. Criteria: Ambry Variant Classification Scheme 2023. Collection method: clinical testing. Allele origin: germline.

Genetic Services Laboratory, University of Chicago
Classification: Uncertain significance for Cornelia de Lange syndrome 3. Last evaluated: 2013-02-08. Review status: criteria provided, single submitter. Criteria: ACMG Guidelines, 2007. Collection method: clinical testing. Allele origin: germline. Inheritance: Autosomal dominant inheritance.